The following is an entry in ClinVar:

ClinVar aggregate classification (germline): Uncertain significance (1 of 4 stars; one submission).

gnomAD v4.1: 4 of 1,613,974 alleles (0.00025%); highest among the groups gnomAD compares: Non-Finnish European, 0.00025%; no homozygotes.

Submission:

Labcorp Genetics (formerly Invitae), Labcorp
Classification: Uncertain significance. Last evaluated: 2024-11-04. Review status: criteria provided, single submitter. Criteria: Invitae Variant Classification Sherloc (09022015). Collection method: clinical testing. Allele origin: germline.
Comment: This sequence change replaces glycine, which is neutral and non-polar, with aspartic acid, which is acidic and polar, at codon 416 of the LARS2 protein (p.Gly416Asp). This variant is not present in population databases (gnomAD no frequency). This variant has not been reported in the literature in individuals affected with LARS2-related conditions. Invitae Evidence Modeling of protein sequence and biophysical properties (such as structural, functional, and spatial information, amino acid conservation, physicochemical variation, residue mobility, and thermodynamic stability) indicates that this missense variant is not expected to disrupt LARS2 protein function with a negative predictive value of 80%. In summary, the available evidence is currently insufficient to determine the role of this variant in disease. Therefore, it has been classified as a Variant of Uncertain Significance.

NM_015340.4(LARS2):c.1247G>A (p.Gly416Asp)

Genes: LARS2 (leucyl-tRNA synthetase 2, mitochondrial; plus strand), LARS2-AS1 (LARS2 antisense RNA 1; minus strand). Cytogenetic location: 3p21.31.
Variant type: single nucleotide variant.
Coding change: c.1247G>A on transcript NM_015340.4 (MANE Select); coding-DNA position 1247, G replaced by A.
Protein change: p.Gly416Asp; replaces glycine 416 with aspartic acid.
Molecular consequence: missense variant.
Genome position (GRCh38, 1-based): chr3:45,491,524, G>A. VCF-style: chr3-45491524-G-A. GRCh37 (hg19) VCF-style: chr3-45533016-G-A.
Other names: c.1247G>A, p.Gly416Asp (NM_001368263.1); short protein forms G416D.
Identifiers: ClinVar variation 3611668 (VCV003611668.2).